The following is an entry in ClinVar:

NM_139076.3(ABRAXAS1):c.952G>A (p.Asp318Asn)

Gene: ABRAXAS1 (abraxas 1, BRCA1 A complex subunit; minus strand). Cytogenetic location: 4q21.23.
Variant type: single nucleotide variant.
Coding change: c.952G>A on transcript NM_139076.3 (MANE Select); coding-DNA position 952, G replaced by A.
Protein change: p.Asp318Asn; replaces aspartic acid 318 with asparagine.
Molecular consequence: missense variant.
Genome position (GRCh38, 1-based): chr4:83,462,747, C>T on the plus strand (G>A on the coding strand, the complement: ABRAXAS1 is on the minus strand). VCF-style: chr4-83462747-C-T. GRCh37 (hg19) VCF-style: chr4-84383900-C-T.
Other names: c.625G>A, p.Asp209Asn (NM_001345962.2); short protein forms D318N, D209N.
Identifiers: ClinVar variation 863610 (VCV000863610.14), dbSNP rs775345294, ClinGen allele CA2990402.

ClinVar aggregate classification (germline): Conflicting classifications of pathogenicity. Review status: criteria provided, conflicting classifications (1 of 4 stars). 3 submissions from 3 submitters: Uncertain significance (1); Likely benign (2). Last evaluated 2025-07-07.

Allele frequency attached by ClinVar (database versions not stated): gnomAD 0.00003 and 0.00001; ExAC 0.00004; gnomAD exomes 0.00004 and 0.00002.

Submissions (3):

Women's Health and Genetics/Laboratory Corporation of America, LabCorp
Classification: Likely benign. Last evaluated: 2025-07-07. Review status: criteria provided, single submitter. Criteria: LabCorp Variant Classification Summary - May 2015. Collection method: clinical testing. Allele origin: germline.
Comment: Variant summary: FAM175A c.952G>A (p.Asp318Asn) results in a conservative amino acid change in the encoded protein sequence. Algorithms developed to predict the effect of missense changes on protein structure and function all suggest that this variant is likely to be tolerated. The variant allele was found at a frequency of 4e-05 in 251326 control chromosomes, predominantly at a frequency of 0.00033 within the South Asian subpopulation in the gnomAD database. The observed variant frequency within South Asian control individuals in the gnomAD database is approximately 10.56 fold of the estimated maximal expected allele frequency for a pathogenic variant in FAM175A causing Hereditary Breast And Ovarian Cancer Syndrome phenotype (3.1e-05). c.952G>A has been reported in the literature in at least one individual affected with breast cancer (Akcay_2020). However, this report does not provide unequivocal conclusions about association of the variant with Hereditary Breast And Ovarian Cancer Syndrome. To our knowledge, no experimental evidence demonstrating an impact on protein function has been reported. The following publication has been ascertained in the context of this evaluation (PMID: 32658311). ClinVar contains an entry for this variant (Variation ID: 863610). Based on the evidence outlined above, the variant was classified as likely benign.

Ambry Genetics
Classification: Likely benign. Last evaluated: 2021-11-16. Review status: criteria provided, single submitter. Criteria: Ambry Variant Classification Scheme 2023. Collection method: clinical testing. Allele origin: germline.

Labcorp Genetics (formerly Invitae), Labcorp
Classification: Uncertain significance. Last evaluated: 2019-12-22. Review status: criteria provided, single submitter. Criteria: Invitae Variant Classification Sherloc (09022015). Collection method: clinical testing. Allele origin: germline.
Comment: In summary, the available evidence is currently insufficient to determine the role of this variant in disease. Therefore, it has been classified as a Variant of Uncertain Significance. Algorithms developed to predict the effect of missense changes on protein structure and function output the following: SIFT: "Tolerated"; PolyPhen-2: "Benign"; Align-GVGD: "Class C0". The asparagine amino acid residue is found in multiple mammalian species, suggesting that this missense change does not adversely affect protein function. These predictions have not been confirmed by published functional studies and their clinical significance is uncertain. This variant has not been reported in the literature in individuals with ABRAXAS1-related conditions. This variant is present in population databases (rs775345294, ExAC 0.03%). This sequence change replaces aspartic acid with asparagine at codon 318 of the ABRAXAS1 protein (p.Asp318Asn). The aspartic acid residue is weakly conserved and there is a small physicochemical difference between aspartic acid and asparagine.

Literature cited by the submitters: PubMed 32658311 (cited by Women's Health and Genetics/Laboratory Corporation of America, LabCorp).